The following is an entry in ClinVar:

ClinVar aggregate classification (germline): Uncertain significance. Review status: criteria provided, multiple submitters, no conflicts (2 of 4 stars). 2 submissions from 2 submitters: Uncertain significance (2). Last evaluated 2025-12-15.

Conditions:
Hereditary cancer-predisposing syndrome. Also called: Tumor predisposition; Neoplastic Syndromes, Hereditary; Hereditary Cancer Syndrome; Hereditary neoplastic syndrome. Identifiers: Orphanet 140162, MedGen C0027672, MeSH D009386, MONDO:0015356.
Familial adenomatous polyposis 1 (FAP1). Also called: FAMILIAL ADENOMATOUS POLYPOSIS 1, ATTENUATED; POLYPOSIS, ADENOMATOUS INTESTINAL. Identifiers: MedGen C2713442, MONDO:0021056, OMIM 175100. Disease mechanism: loss of function.

Submissions (2):

Ambry Genetics
Classification: Uncertain significance for Hereditary cancer-predisposing syndrome. Last evaluated: 2025-12-15. Review status: criteria provided, single submitter. Criteria: Ambry Variant Classification Scheme 2023. Collection method: clinical testing. Allele origin: germline.
Comment: The p.S2835F variant (also known as c.8504C>T), located in coding exon 15 of the APC gene, results from a C to T substitution at nucleotide position 8504. The serine at codon 2835 is replaced by phenylalanine, an amino acid with highly dissimilar properties. This amino acid position is conserved. In addition, in silico predictors for this gene do not accurately predict pathogenicity. Based on the available evidence, the clinical significance of this variant remains unclear.

Labcorp Genetics (formerly Invitae), Labcorp
Classification: Uncertain significance for Familial adenomatous polyposis 1. Last evaluated: 2023-05-14. Review status: criteria provided, single submitter. Criteria: Invitae Variant Classification Sherloc (09022015). Collection method: clinical testing. Allele origin: germline.
Comment: This variant has not been reported in the literature in individuals affected with APC-related conditions. This sequence change replaces serine, which is neutral and polar, with phenylalanine, which is neutral and non-polar, at codon 2835 of the APC protein (p.Ser2835Phe). This variant is not present in population databases (gnomAD no frequency). Advanced modeling of protein sequence and biophysical properties (such as structural, functional, and spatial information, amino acid conservation, physicochemical variation, residue mobility, and thermodynamic stability) performed at Invitae indicates that this missense variant is not expected to disrupt APC protein function. In summary, the available evidence is currently insufficient to determine the role of this variant in disease. Therefore, it has been classified as a Variant of Uncertain Significance.

NM_000038.6(APC):c.8504C>T (p.Ser2835Phe)

Gene: APC (APC regulator of Wnt signaling pathway; plus strand). Cytogenetic location: 5q22.2.
Variant type: single nucleotide variant.
Coding change: c.8504C>T on transcript NM_000038.6 (MANE Select); coding-DNA position 8504, C replaced by T.
Protein change: p.Ser2835Phe; replaces serine 2835 with phenylalanine.
Molecular consequence: missense variant. On other transcripts: non-coding transcript variant (2).
Genome position (GRCh38, 1-based): chr5:112,844,098, C>T. VCF-style: chr5-112844098-C-T. GRCh37 (hg19) VCF-style: chr5-112179795-C-T.
Other names: c.8504C>T (NM_000038.5); c.8504C>T, p.Ser2835Phe (NM_001127510.3, NM_001354895.2, NM_001407450.1); c.8450C>T, p.Ser2817Phe (NM_001127511.3); c.8558C>T, p.Ser2853Phe (NM_001354896.2, NM_001407447.1, NM_001407448.1 and 1 more transcripts); c.8534C>T, p.Ser2845Phe (NM_001354897.2); c.8429C>T, p.Ser2810Phe (NM_001354898.2); c.8420C>T, p.Ser2807Phe (NM_001354899.2); c.8381C>T, p.Ser2794Phe (NM_001354900.2); and 12 more; short protein forms S2675F, S2709F, S2734F, S2794F, S2807F, S2810F, S2451F, S2706F.
Identifiers: ClinVar variation 2875396 (VCV002875396.4), dbSNP rs2150006590, ClinGen allele CA16039781.